The following is an entry in ClinVar:

NM_198935.3(SS18L1):c.663C>T (p.Ser221=)

Gene: SS18L1 (SS18L1 subunit of BAF chromatin remodeling complex; plus strand). Cytogenetic location: 20q13.33.
Variant type: single nucleotide variant.
Coding change: c.663C>T on transcript NM_198935.3 (MANE Select); coding-DNA position 663, C replaced by T.
Protein change: p.Ser221=; no amino-acid change (serine 221 retained).
Molecular consequence: synonymous variant. On other transcripts: non-coding transcript variant (2).
Genome position (GRCh38, 1-based): chr20:62,163,564, C>T. VCF-style: chr20-62163564-C-T. GRCh37 (hg19) VCF-style: chr20-60738620-C-T.
Other names: c.270C>T, p.Ser90= (NM_001301778.2).
Identifiers: ClinVar variation 1239428 (VCV001239428.6), dbSNP rs6089674, ClinGen allele CA9937209.

ClinVar aggregate classification (germline): Benign. Review status: criteria provided, multiple submitters, no conflicts (2 of 4 stars). 3 submissions from 3 submitters: Benign (2). 1 of the submissions does not count toward it. Last evaluated 2021-05-05.

Conditions:
SS18L1-related disorder. Also called: SS18L1-related condition.

Allele frequency attached by ClinVar (database versions not stated): 1000 Genomes Project 30x 0.01171; 1000 Genomes Project 0.01258; TOPMed 0.02520; gnomAD exomes 0.02776; gnomAD 0.02787 and 0.02876; ESP Exome Variant Server 0.03010; ExAC 0.03050.
gnomAD v4.1: 59,283 of 1,610,216 alleles (3.7%); highest among the groups gnomAD compares: Non-Finnish European, 4.3%; 1,262 homozygotes.

Submissions (3):

GeneDx
Classification: Benign. Last evaluated: 2021-05-05. Review status: criteria provided, single submitter. Criteria: GeneDx Variant Classification Process June 2021. Collection method: clinical testing. Allele origin: germline. Affected: yes.

Breakthrough Genomics
Classification: Benign. Review status: criteria provided, single submitter. Criteria: ACMG Guidelines, 2015. Collection method: not provided. Allele origin: germline. Inheritance: Unknown mechanism. Affected: yes.

PreventionGenetics, part of Exact Sciences
Classification: Benign for SS18L1-related condition. Last evaluated: 2019-11-25. Review status: no assertion criteria provided. Collection method: clinical testing. Allele origin: germline. Not counted in ClinVar's aggregate classification.
Comment: This variant is classified as benign based on ACMG/AMP sequence variant interpretation guidelines (Richards et al. 2015 PMID: 25741868, with internal and published modifications).